The following is an entry in ClinVar:

ClinVar aggregate classification (germline): Conflicting classifications of pathogenicity. Review status: criteria provided, conflicting classifications (1 of 4 stars). 4 submissions from 4 submitters: Likely pathogenic (3); Uncertain significance (1). Last evaluated 2025-05-13.

Conditions:
Neurofibromatosis, type 1 (NF1). Also called: Neurofibromatosis, type I; Peripheral type neurofibromatosis; VON RECKLINGHAUSEN DISEASE; NEUROFIBROMATOSIS, TYPE I, SOMATIC. Identifiers: Orphanet 636, MedGen C0027831, MONDO:0018975, OMIM 162200. Disease mechanism: loss of function.

Submissions (4):

GeneDx
Classification: Uncertain significance. Last evaluated: 2025-05-13. Review status: criteria provided, single submitter. Criteria: GeneDx Variant Classification Process June 2021. Collection method: clinical testing. Allele origin: germline.
Comment: Identified in an individual from a cohort suspected of having NF1, but additional clinical information was not provided (PMID: 28961165); In silico analysis supports that this missense variant has a deleterious effect on protein structure/function; Not observed at significant frequency in large population cohorts (gnomAD); This variant is associated with the following publications: (PMID: 28961165, 37751797)

Women's Health and Genetics/Laboratory Corporation of America, LabCorp
Classification: Likely pathogenic for Neurofibromatosis, type 1. Last evaluated: 2024-12-24. Review status: criteria provided, single submitter. Criteria: LabCorp Variant Classification Summary - May 2015. Collection method: clinical testing. Allele origin: germline.
Comment: Variant summary: NF1 c.5413C>G (p.His1805Asp) results in a non-conservative amino acid change located in the Neurofibromin-1 Pleckstrin homology-like domain of the encoded protein sequence. Five of five in-silico tools predict a damaging effect of the variant on protein function. The variant was absent in 251382 control chromosomes. c.5413C>G has been reported in the literature as a de novo origin in at-least one individual affected with pathognomic criteria for Neurofibromatosis Type 1 (Bonatti_2017). To our knowledge, no experimental evidence demonstrating an impact on protein function has been reported. The following publications have been ascertained in the context of this evaluation (PMID: 28961165, 37751797). ClinVar contains an entry for this variant (Variation ID: 431655). Based on the evidence outlined above, the variant was classified as likely pathogenic.

Medical Genetics, University of Parma
Classification: Likely pathogenic for Neurofibromatosis, type 1. Last evaluated: 2022-08-17. Review status: criteria provided, single submitter. Criteria: ACMG Guidelines, 2015. Collection method: clinical testing. Allele origin: germline. Inheritance: Autosomal dominant inheritance. Affected: yes.

Labcorp Genetics (formerly Invitae), Labcorp
Classification: Likely pathogenic for Neurofibromatosis, type 1. Last evaluated: 2021-08-27. Review status: criteria provided, single submitter. Criteria: Invitae Variant Classification Sherloc (09022015). Collection method: clinical testing. Allele origin: germline.
Comment: In summary, the currently available evidence indicates that the variant is pathogenic, but additional data are needed to prove that conclusively. Therefore, this variant has been classified as Likely Pathogenic. Advanced modeling of protein sequence and biophysical properties (such as structural, functional, and spatial information, amino acid conservation, physicochemical variation, residue mobility, and thermodynamic stability) performed at Invitae indicates that this missense variant is expected to disrupt NF1 protein function. This variant has been observed in individual(s) with neurofibromatosis type 1 (PMID: 28961165). ClinVar contains an entry for this variant (Variation ID: 431655). This variant is not present in population databases (ExAC no frequency). This sequence change replaces histidine with aspartic acid at codon 1805 of the NF1 protein (p.His1805Asp). The histidine residue is moderately conserved and there is a moderate physicochemical difference between histidine and aspartic acid.

Literature cited by the submitters: PubMed 28961165 (cited by Women's Health and Genetics/Laboratory Corporation of America, LabCorp and Labcorp Genetics (formerly Invitae), Labcorp); PubMed 37751797 (cited by Women's Health and Genetics/Laboratory Corporation of America, LabCorp).

NM_001042492.3(NF1):c.5476C>G (p.His1826Asp)

Gene: NF1 (neurofibromin 1; plus strand). Cytogenetic location: 17q11.2.
Variant type: single nucleotide variant.
Coding change: c.5476C>G on transcript NM_001042492.3 (MANE Select); coding-DNA position 5476, C replaced by G.
Protein change: p.His1826Asp; replaces histidine 1826 with aspartic acid.
Molecular consequence: missense variant.
Genome position (GRCh38, 1-based): chr17:31,327,706, C>G. VCF-style: chr17-31327706-C-G. GRCh37 (hg19) VCF-style: chr17-29654724-C-G.
Other names: c.5413C>G, p.His1805Asp (NM_000267.4); short protein forms H1805D, H1826D.
Identifiers: ClinVar variation 431655 (VCV000431655.11), dbSNP rs1135402871, ClinGen allele CA399009526.
Genomic context (GRCh38, chr17:31,327,706, plus strand): 5'-CAGGGCACGCCGCTCACCTTCATGCACCAGGAGTGTGAAGCCATTGTCCAGTCTATCATT[C>G]ATATCCGGACCCGCTGGGAACTGTCACAGCCCGACTCTATCCCCCAACACACCAAGATTC-3'
Protein context (NP_001035957.1, residues 1816-1836): ECEAIVQSII[His1826Asp]IRTRWELSQP